The following is an entry in ClinVar:

ClinVar aggregate classification (germline): Pathogenic. Review status: criteria provided, multiple submitters, no conflicts (2 of 4 stars). 2 submissions from 2 submitters: Pathogenic (2). Last evaluated 2025-11-24.

Conditions:
Acute infantile liver failure due to synthesis defect of mtDNA-encoded proteins. Also called: LIVER FAILURE, INFANTILE, TRANSIENT; TRMU Deficiency; Liver failure acute infantile. Identifiers: Orphanet 217371, MedGen C3278664, MONDO:0013111, OMIM 613070.

Allele frequency attached by ClinVar (database versions not stated): gnomAD exomes below 0.00001; gnomAD 0.00001; TOPMed 0.00001.

Submissions (2):

Labcorp Genetics (formerly Invitae), Labcorp
Classification: Pathogenic. Last evaluated: 2025-11-24. Review status: criteria provided, single submitter. Criteria: Invitae Variant Classification Sherloc (09022015). Collection method: clinical testing. Allele origin: germline.
Comment: This sequence change creates a premature translational stop signal (p.Ser544Valfs*11) in the NBAS gene. It is expected to result in an absent or disrupted protein product. Loss-of-function variants in NBAS are known to be pathogenic (PMID: 26073778, 26541327, 27789416, 28031453). This variant is not present in population databases (gnomAD no frequency). This premature translational stop signal has been observed in individual(s) with clinical features of NBAS-related conditions (PMID: 33042920). ClinVar contains an entry for this variant (Variation ID: 1406108). Algorithms developed to predict the effect of sequence changes on RNA splicing suggest that this variant may disrupt the consensus splice site. For these reasons, this variant has been classified as Pathogenic.

Women's Health and Genetics/Laboratory Corporation of America, LabCorp
Classification: Pathogenic for Acute infantile liver failure due to synthesis defect of mtDNA-encoded proteins. Last evaluated: 2025-05-21. Review status: criteria provided, single submitter. Criteria: LabCorp Variant Classification Summary - May 2015. Collection method: clinical testing. Allele origin: germline.
Comment: Variant summary: NBAS c.1628_1629insA (p.Ser544ValfsX11) results in a premature termination codon, predicted to cause a truncation of the encoded protein or absence of the protein due to nonsense mediated decay, which are commonly known mechanisms for disease. The variant was absent in 251224 control chromosomes. c.1628_1629insA has been observed in at least one compound heterozygous individual affected with Liver Failure Acute Infantile, Type 2 (e.g. Khoreva_2020). To our knowledge, no experimental evidence demonstrating an impact on protein function has been reported. The following publication has been ascertained in the context of this evaluation (PMID: 33042920). ClinVar contains an entry for this variant (Variation ID: 1406108). Based on the evidence outlined above, the variant was classified as pathogenic.

Literature cited by the submitters: PubMed 26073778 (cited by Labcorp Genetics (formerly Invitae), Labcorp); PubMed 26541327 (cited by Labcorp Genetics (formerly Invitae), Labcorp); PubMed 27789416 (cited by Labcorp Genetics (formerly Invitae), Labcorp); PubMed 28031453 (cited by Labcorp Genetics (formerly Invitae), Labcorp); PubMed 33042920 (cited by Labcorp Genetics (formerly Invitae), Labcorp and Women's Health and Genetics/Laboratory Corporation of America, LabCorp).

NM_015909.4(NBAS):c.1628_1629insA (p.Ser544fs)

Gene: NBAS (NBAS subunit of NRZ tethering complex; minus strand). Cytogenetic location: 2p24.3.
Variant type: Insertion.
Coding change: c.1628_1629insA on transcript NM_015909.4 (MANE Select); coding-DNA positions 1628 to 1629, A inserted.
Protein change: p.Ser544fs; shifts the reading frame from serine 544.
Molecular consequence: frameshift variant. On other transcripts: non-coding transcript variant (1).
Genome position: GRCh38 VCF-style: chr2-15473318-C-CT. GRCh37 (hg19) VCF-style: chr2-15613442-C-CT.
Other names: short protein forms S544fs.
Identifiers: ClinVar variation 1406108 (VCV001406108.7), dbSNP rs1680038424, ClinGen allele CA1027850479.